The following is an entry in ClinVar:

ClinVar aggregate classification (germline): Uncertain significance. Review status: criteria provided, multiple submitters, no conflicts (2 of 4 stars). 2 submissions from 2 submitters: Uncertain significance (2). Last evaluated 2025-09-14.

Allele frequency attached by ClinVar (database versions not stated): gnomAD 0.00005; gnomAD exomes 0.00006; ExAC 0.00007; TOPMed 0.00008.

Submissions (2):

Labcorp Genetics (formerly Invitae), Labcorp
Classification: Uncertain significance. Last evaluated: 2025-09-14. Review status: criteria provided, single submitter. Criteria: Invitae Variant Classification Sherloc (09022015). Collection method: clinical testing. Allele origin: germline.
Comment: This sequence change replaces threonine, which is neutral and polar, with methionine, which is neutral and non-polar, at codon 980 of the PLEKHM2 protein (p.Thr980Met). This variant is present in population databases (rs571532775, gnomAD 0.02%). This variant has not been reported in the literature in individuals affected with PLEKHM2-related conditions. ClinVar contains an entry for this variant (Variation ID: 1522174). An algorithm developed to predict the effect of missense changes on protein structure and function (PolyPhen-2) suggests that this variant is likely to be tolerated. In summary, the available evidence is currently insufficient to determine the role of this variant in disease. Therefore, it has been classified as a Variant of Uncertain Significance.

Ambry Genetics
Classification: Uncertain significance. Last evaluated: 2025-06-07. Review status: criteria provided, single submitter. Criteria: Ambry Variant Classification Scheme 2023. Collection method: clinical testing. Allele origin: germline.

NM_015164.4(PLEKHM2):c.2939C>T (p.Thr980Met)

Gene: PLEKHM2 (pleckstrin homology and RUN domain containing M2; plus strand). Cytogenetic location: 1p36.21.
Variant type: single nucleotide variant.
Coding change: c.2939C>T on transcript NM_015164.4 (MANE Select); coding-DNA position 2939, C replaced by T.
Protein change: p.Thr980Met; replaces threonine 980 with methionine.
Molecular consequence: missense variant.
Genome position (GRCh38, 1-based): chr1:15,733,813, C>T. VCF-style: chr1-15733813-C-T. GRCh37 (hg19) VCF-style: chr1-16060308-C-T.
Other names: c.2939C>T (NM_015164.2); short protein forms T980M.
Identifiers: ClinVar variation 1522174 (VCV001522174.10), dbSNP rs571532775, ClinGen allele CA617406.